The following is an entry in ClinVar:

ClinVar aggregate classification (germline): Conflicting classifications of pathogenicity. Review status: criteria provided, conflicting classifications (1 of 4 stars). 3 submissions from 3 submitters: Likely pathogenic (1); Uncertain significance (2). Last evaluated 2025-11-02.

Conditions:
Hypertrophic cardiomyopathy. Also called: HYPERTROPHIC MYOCARDIOPATHY. Identifiers: Orphanet 217569, MedGen C0007194, MeSH D002312, MONDO:0005045, HP:0001639.

Allele frequency attached by ClinVar (database versions not stated): gnomAD exomes below 0.00001; gnomAD 0.00001; TOPMed 0.00001.

Submissions (3):

Labcorp Genetics (formerly Invitae), Labcorp
Classification: Uncertain significance for Hypertrophic cardiomyopathy. Last evaluated: 2025-11-02. Review status: criteria provided, single submitter. Criteria: Invitae Variant Classification Sherloc (09022015). Collection method: clinical testing. Allele origin: germline.
Comment: This sequence change creates a premature translational stop signal (p.Leu688Argfs*38) in the MYH7 gene. It is expected to result in an absent or disrupted protein product. However, the current clinical and genetic evidence is not sufficient to establish whether loss-of-function variants in MYH7 cause disease. This variant is present in population databases (no rsID available, gnomAD 0.01%). This premature translational stop signal has been observed in individual(s) with clinical features of MYH7-related conditions (PMID: 32516855). ClinVar contains an entry for this variant (Variation ID: 454349). In summary, the available evidence is currently insufficient to determine the role of this variant in disease. Therefore, it has been classified as a Variant of Uncertain Significance.

Blueprint Genetics
Classification: Uncertain significance. Last evaluated: 2022-07-13. Review status: criteria provided, single submitter. Criteria: ACMG Guidelines, 2015. Collection method: clinical testing. Allele origin: germline.

Laboratory for Molecular Medicine, Mass General Brigham Personalized Medicine
Classification: Likely pathogenic for Hypertrophic cardiomyopathy. Last evaluated: 2019-12-11. Review status: criteria provided, single submitter. Criteria: ACMG Guidelines, 2015. Collection method: clinical testing. Allele origin: germline. Inheritance: Autosomal recessive inheritance.
Comment: proposed classification - variant undergoing re-assessment, contact laboratory

Literature cited by the submitters: PubMed 32516855 (cited by Labcorp Genetics (formerly Invitae), Labcorp).

NM_000257.4(MYH7):c.2063del (p.Leu688fs)

Gene: MYH7 (myosin heavy chain 7; minus strand). Cytogenetic location: 14q11.2.
Variant type: Deletion.
Coding change: c.2063del on transcript NM_000257.4 (MANE Select); coding-DNA position 2063, one base deleted (T; older notation c.2063delT).
Protein change: p.Leu688fs; shifts the reading frame from leucine 688.
Molecular consequence: frameshift variant.
Genome position (GRCh38, 1-based): chr14:23,426,063, A deleted on the plus strand (T on the coding strand, the reverse complement: MYH7 is on the minus strand). VCF-style (leftmost placement, unchanged base first): chr14-23426062-CA-C. GRCh37 (hg19) VCF-style: chr14-23895271-CA-C.
Other names: short protein forms L688fs.
Identifiers: ClinVar variation 454349 (VCV000454349.8), dbSNP rs888930078, ClinGen allele CA257821119.